The following is an entry in ClinVar:

NM_002691.4(POLD1):c.691A>C (p.Ile231Leu)

Gene: POLD1 (DNA polymerase delta 1, catalytic subunit; plus strand). Cytogenetic location: 19q13.33.
Variant type: single nucleotide variant.
Coding change: c.691A>C on transcript NM_002691.4 (MANE Select); coding-DNA position 691, A replaced by C.
Protein change: p.Ile231Leu; replaces isoleucine 231 with leucine.
Molecular consequence: missense variant. On other transcripts: non-coding transcript variant (1).
Genome position (GRCh38, 1-based): chr19:50,402,306, A>C. VCF-style: chr19-50402306-A-C. GRCh37 (hg19) VCF-style: chr19-50905563-A-C.
Other names: c.691A>C, p.Ile231Leu (NM_001256849.1, NM_001308632.1); short protein forms I231L.
Identifiers: ClinVar variation 1756147 (VCV001756147.5), dbSNP rs2122245570, ClinGen allele CA406974371.

ClinVar aggregate classification (germline): Uncertain significance. Review status: criteria provided, multiple submitters, no conflicts (2 of 4 stars). 2 submissions from 2 submitters: Uncertain significance (2). Last evaluated 2024-11-27.

Conditions:
POLD1-related polyposis and colorectal cancer syndrome (CRCS10). Also called: COLORECTAL CANCER, SUSCEPTIBILITY TO, ON CHROMOSOME 19q; Colorectal cancer 10; Colorectal cancer, susceptibility to, 10. Identifiers: Orphanet 220460, MedGen C2675481, MONDO:0012953, OMIM 612591.
Hereditary cancer-predisposing syndrome. Also called: Neoplastic Syndromes, Hereditary; Tumor predisposition; Hereditary neoplastic syndrome; Hereditary Cancer Syndrome. Identifiers: Orphanet 140162, MedGen C0027672, MeSH D009386, MONDO:0015356.

Submissions (2):

Labcorp Genetics (formerly Invitae), Labcorp
Classification: Uncertain significance for POLD1-related polyposis and colorectal cancer syndrome. Last evaluated: 2024-11-27. Review status: criteria provided, single submitter. Criteria: Invitae Variant Classification Sherloc (09022015). Collection method: clinical testing. Allele origin: germline.
Comment: This sequence change replaces isoleucine, which is neutral and non-polar, with leucine, which is neutral and non-polar, at codon 231 of the POLD1 protein (p.Ile231Leu). This variant is not present in population databases (gnomAD no frequency). This variant has not been reported in the literature in individuals affected with POLD1-related conditions. ClinVar contains an entry for this variant (Variation ID: 1756147). Invitae Evidence Modeling of protein sequence and biophysical properties (such as structural, functional, and spatial information, amino acid conservation, physicochemical variation, residue mobility, and thermodynamic stability) indicates that this missense variant is not expected to disrupt POLD1 protein function with a negative predictive value of 80%. In summary, the available evidence is currently insufficient to determine the role of this variant in disease. Therefore, it has been classified as a Variant of Uncertain Significance.

Ambry Genetics
Classification: Uncertain significance for Hereditary cancer-predisposing syndrome. Last evaluated: 2021-12-11. Review status: criteria provided, single submitter. Criteria: Ambry Variant Classification Scheme 2023. Collection method: clinical testing. Allele origin: germline.
Comment: The p.I231L variant (also known as c.691A>C), located in coding exon 5 of the POLD1 gene, results from an A to C substitution at nucleotide position 691. The isoleucine at codon 231 is replaced by leucine, an amino acid with highly similar properties. This amino acid position is conserved. In addition, this alteration is predicted to be tolerated by in silico analysis. Since supporting evidence is limited at this time, the clinical significance of this alteration remains unclear.